The following is an entry in ClinVar:

NM_007254.4(PNKP):c.722A>C (p.Glu241Ala)

Gene: PNKP (polynucleotide kinase 3'-phosphatase; minus strand). Cytogenetic location: 19q13.33.
Variant type: single nucleotide variant.
Coding change: c.722A>C on transcript NM_007254.4 (MANE Select); coding-DNA position 722, A replaced by C.
Protein change: p.Glu241Ala; replaces glutamic acid 241 with alanine.
Molecular consequence: missense variant.
Genome position (GRCh38, 1-based): chr19:49,863,986, T>G on the plus strand (A>C on the coding strand, the complement: PNKP is on the minus strand). VCF-style: chr19-49863986-T-G. GRCh37 (hg19) VCF-style: chr19-50367243-T-G.
Other names: c.722A>C (NM_007254.2); short protein forms E241A.
Identifiers: ClinVar variation 1757795 (VCV001757795.4), dbSNP rs2514639235, ClinGen allele CA406886083.
Genomic context (GRCh38, chr19:49,863,986, plus strand): 5'-TGCCCCCACATAGCTCCCAGCCTCCCTTCCAGCCATACCTGGAAGGGGACCCCCAGCTTC[T>G]CCACCACAGCCTCCACCTTGGCCTTGAACTCCTCGGCTGGCAGCTTCCCGCGCCCGATGC-3'
Protein context (NP_009185.2, residues 231-251): EFKAKVEAVV[Glu241Ala]KLGVPFQVLV

ClinVar aggregate classification (germline): Uncertain significance. Review status: criteria provided, multiple submitters, no conflicts (2 of 4 stars). 2 submissions from 2 submitters: Uncertain significance (2). Last evaluated 2025-10-07.

Conditions:
Inborn genetic diseases. Identifiers: MedGen C0950123, MeSH D030342.

Submissions (2):

Ambry Genetics
Classification: Uncertain significance for Inborn genetic diseases. Last evaluated: 2025-10-07. Review status: criteria provided, single submitter. Criteria: Ambry Variant Classification Scheme 2023. Collection method: clinical testing. Allele origin: germline.

GeneDx
Classification: Uncertain significance. Last evaluated: 2024-08-06. Review status: criteria provided, single submitter. Criteria: GeneDx Variant Classification Process June 2021. Collection method: clinical testing. Allele origin: germline. Affected: yes.
Comment: Not observed at significant frequency in large population cohorts (gnomAD); In silico analysis indicates that this missense variant does not alter protein structure/function; Has not been previously published as pathogenic or benign to our knowledge; This variant is associated with the following publications: (PMID: 22508754)